The following is an entry in ClinVar:

ClinVar aggregate classification (germline): Pathogenic (1 of 4 stars; one submission).

Conditions:
Duane-radial ray syndrome (DRRS). Also called: ACRORENOOCULAR SYNDROME; DR SYNDROME; DUANE ANOMALY WITH RADIAL RAY ABNORMALITIES AND DEAFNESS; Duane-Radial Ray Syndrome/Okihiro Syndrome; Duane-Radial Ray Syndrome (DRRS) / Okihiro Syndrome; Okihiro Syndrome. Identifiers: Orphanet 93293, Orphanet 959, MedGen C1623209, MONDO:0011812, OMIM 607323. Disease mechanism: gain of function.

Submission:

Labcorp Genetics (formerly Invitae), Labcorp
Classification: Pathogenic for Duane-radial ray syndrome. Last evaluated: 2025-07-30. Review status: criteria provided, single submitter. Criteria: Invitae Variant Classification Sherloc (09022015). Collection method: clinical testing. Allele origin: germline.
Comment: This sequence change creates a premature translational stop signal (p.Asn761Glnfs*33) in the SALL4 gene. It is expected to result in an absent or disrupted protein product. Loss-of-function variants in SALL4 are known to be pathogenic (PMID: 15342710, 16086360). This variant is not present in population databases (gnomAD no frequency). This variant has not been reported in the literature in individuals affected with SALL4-related conditions. ClinVar contains an entry for this variant (Variation ID: 2015460). For these reasons, this variant has been classified as Pathogenic.

Literature cited by the submitters: PubMed 15342710; PubMed 16086360.

NM_020436.5(SALL4):c.2280dup (p.Asn761fs)

Gene: SALL4 (spalt like transcription factor 4; minus strand). Cytogenetic location: 20q13.2.
Variant type: Duplication.
Coding change: c.2280dup on transcript NM_020436.5 (MANE Select); coding-DNA position 2280, one base duplicated (C; older notation c.2280dupC).
Protein change: p.Asn761fs; shifts the reading frame from asparagine 761.
Molecular consequence: frameshift variant. On other transcripts: intron variant (1).
Genome position (GRCh38, 1-based): chr20:51,790,203, G duplicated on the plus strand (C on the coding strand, the reverse complement: SALL4 is on the minus strand); the first of 2 consecutive G bases (chr20:51,790,203-51,790,204); duplicating either gives the same sequence. VCF-style (leftmost placement, unchanged base first): chr20-51790202-T-TG. GRCh37 (hg19) VCF-style: chr20-50406741-T-TG.
Other names: c.1151-1062dup (NM_001318031.2); short protein forms N761fs.
Identifiers: ClinVar variation 2015460 (VCV002015460.4), dbSNP rs2515714934, ClinGen allele CA2580098287.
Genomic context (GRCh38, chr20:51,790,202, plus strand): 5'-CCAGGATATCTGGGCTTCGGCTCTGATACTCCTGGTCTCCCATCAGCGAGGATGAGTCGT[T>TG]GGTCAAGCCATCGCTCTCCACGGAACCGTTTTCTCTGCTGCCCTGGCGCTGCAGGTTAAA-3'